The following is an entry in ClinVar:

ClinVar aggregate classification (germline): Uncertain significance (1 of 4 stars; one submission).

Conditions:
Cardiovascular phenotype. Identifiers: MedGen CN230736.

Allele frequency attached by ClinVar (database versions not stated): gnomAD exomes below 0.00001.
gnomAD v4.1: 4 of 1,564,156 alleles (0.00026%); highest among the groups gnomAD compares: African/African-American, 0.0014%; no homozygotes.

Submission:

Ambry Genetics
Classification: Uncertain significance for Cardiovascular phenotype. Last evaluated: 2022-12-31. Review status: criteria provided, single submitter. Criteria: Ambry Variant Classification Scheme 2023. Collection method: clinical testing. Allele origin: germline.
Comment: The p.V67A variant (also known as c.200T>C), located in coding exon 3 of the TXNRD2 gene, results from a T to C substitution at nucleotide position 200. The valine at codon 67 is replaced by alanine, an amino acid with similar properties. This amino acid position is conserved. In addition, the in silico prediction for this alteration is inconclusive. Since supporting evidence is limited at this time, the clinical significance of this alteration remains unclear.

NM_006440.5(TXNRD2):c.200T>C (p.Val67Ala)

Gene: TXNRD2 (thioredoxin reductase 2; minus strand). Cytogenetic location: 22q11.21.
Variant type: single nucleotide variant.
Coding change: c.200T>C on transcript NM_006440.5 (MANE Select); coding-DNA position 200, T replaced by C.
Protein change: p.Val67Ala; replaces valine 67 with alanine.
Molecular consequence: missense variant. On other transcripts: 5 prime UTR variant (1).
Genome position (GRCh38, 1-based): chr22:19,919,572, A>G on the plus strand (T>C on the coding strand, the complement: TXNRD2 is on the minus strand). VCF-style: chr22-19919572-A-G. GRCh37 (hg19) VCF-style: chr22-19907095-A-G.
Other names: c.200T>C, p.Val67Ala (NM_001282512.3); c.197T>C, p.Val66Ala (NM_001352300.2); c.110T>C, p.Val37Ala (NM_001352301.2); c.-89T>C (NM_001352302.2); c.104T>C, p.Val35Ala (NM_001352303.2); short protein forms V35A, V37A, V67A, V66A.
Identifiers: ClinVar variation 2449541 (VCV002449541.2), dbSNP rs1280010254, ClinGen allele CA410694827.